The following is an entry in ClinVar:

ClinVar aggregate classification (germline): Likely benign (1 of 4 stars; one submission).

Allele frequency attached by ClinVar (database versions not stated): gnomAD exomes 0.00001.
gnomAD v4.1: 15 of 1,614,224 alleles (0.00093%); highest among the groups gnomAD compares: Non-Finnish European, 0.0013%; no homozygotes.

Submission:

CeGaT Center for Human Genetics Tuebingen
Classification: Likely benign. Last evaluated: 2023-03-01. Review status: criteria provided, single submitter. Criteria: CeGaT Center For Human Genetics Tuebingen Variant Classification Criteria Version 2. Collection method: clinical testing. Allele origin: germline. Affected: yes. Observed: 1 variant allele.
Comment: SLIT3: BP4, BP7

NM_003062.4(SLIT3):c.3204G>A (p.Gly1068=)

Gene: SLIT3 (slit guidance ligand 3; minus strand). Cytogenetic location: 5q34.
Variant type: single nucleotide variant.
Coding change: c.3204G>A on transcript NM_003062.4 (MANE Select); coding-DNA position 3204, G replaced by A.
Protein change: p.Gly1068=; no amino-acid change (glycine 1068 retained).
Molecular consequence: synonymous variant.
Genome position (GRCh38, 1-based): chr5:168,687,089, C>T on the plus strand (G>A on the coding strand, the complement: SLIT3 is on the minus strand). VCF-style: chr5-168687089-C-T. GRCh37 (hg19) VCF-style: chr5-168114094-C-T.
Other names: c.3225G>A, p.Gly1075= (NM_001271946.2).
Identifiers: ClinVar variation 2656051 (VCV002656051.24), dbSNP rs1291488100, ClinGen allele CA447772927.